The following is an entry in ClinVar:

ClinVar aggregate classification (germline): Uncertain significance (1 of 4 stars; one submission).

Conditions:
RASopathy. Also called: Noonan spectrum disorder; rasopathies. Identifiers: Orphanet 536391, MedGen C5555857, MONDO:0021060.

Allele frequency attached by ClinVar (database versions not stated): gnomAD 0.00001; TOPMed 0.00001.
gnomAD v4.1: 2 of 1,613,752 alleles (0.00012%); highest among the groups gnomAD compares: African/African-American, 0.0013%; no homozygotes.

Submission:

Labcorp Genetics (formerly Invitae), Labcorp
Classification: Uncertain significance for RASopathy. Last evaluated: 2022-10-07. Review status: criteria provided, single submitter. Criteria: Invitae Variant Classification Sherloc (09022015). Collection method: clinical testing. Allele origin: germline.
Comment: This sequence change replaces valine, which is neutral and non-polar, with alanine, which is neutral and non-polar, at codon 279 of the MAP2K1 protein (p.Val279Ala). This variant is not present in population databases (gnomAD no frequency). This variant has not been reported in the literature in individuals affected with MAP2K1-related conditions. Advanced modeling of protein sequence and biophysical properties (such as structural, functional, and spatial information, amino acid conservation, physicochemical variation, residue mobility, and thermodynamic stability) performed at Invitae indicates that this missense variant is not expected to disrupt MAP2K1 protein function. In summary, the available evidence is currently insufficient to determine the role of this variant in disease. Therefore, it has been classified as a Variant of Uncertain Significance.

NM_002755.4(MAP2K1):c.836T>C (p.Val279Ala)

Gene: MAP2K1 (mitogen-activated protein kinase kinase 1; plus strand). Cytogenetic location: 15q22.31.
Variant type: single nucleotide variant.
Coding change: c.836T>C on transcript NM_002755.4 (MANE Select); coding-DNA position 836, T replaced by C.
Protein change: p.Val279Ala; replaces valine 279 with alanine.
Molecular consequence: missense variant.
Genome position (GRCh38, 1-based): chr15:66,485,132, T>C. VCF-style: chr15-66485132-T-C. GRCh37 (hg19) VCF-style: chr15-66777470-T-C.
Other names: c.692T>C, p.Val231Ala (NM_001411065.1); short protein forms V231A, V279A.
Identifiers: ClinVar variation 2136449 (VCV002136449.4), dbSNP rs916531861, ClinGen allele CA271674139.